The following is an entry in ClinVar:

ClinVar aggregate classification (germline): Likely benign. Review status: criteria provided, multiple submitters, no conflicts (2 of 4 stars). 3 submissions from 3 submitters: Likely benign (2). 1 of the submissions does not count toward it. Last evaluated 2025-01-29.

Conditions:
RYR3-related disorder. Also called: RYR3-related condition.
Epileptic encephalopathy. Identifiers: MedGen C0543888, HP:0200134.

Allele frequency attached by ClinVar (database versions not stated): gnomAD exomes 0.00003 and 0.00011; ExAC 0.00014; gnomAD 0.00038 and 0.00040; TOPMed 0.00041; ESP Exome Variant Server 0.00057; 1000 Genomes Project 0.00080; 1000 Genomes Project 30x 0.00109.
gnomAD v4.1: 105 of 1,613,730 alleles (0.0065%); highest among the groups gnomAD compares: African/African-American, 0.13%; no homozygotes.

Submissions (3):

Ambry Genetics
Classification: Likely benign. Last evaluated: 2025-01-29. Review status: criteria provided, single submitter. Criteria: Ambry Variant Classification Scheme 2023. Collection method: clinical testing. Allele origin: germline.

Labcorp Genetics (formerly Invitae), Labcorp
Classification: Likely benign for Epileptic encephalopathy. Last evaluated: 2020-07-16. Review status: criteria provided, single submitter. Criteria: Invitae Variant Classification Sherloc (09022015). Collection method: clinical testing. Allele origin: germline.

PreventionGenetics, part of Exact Sciences
Classification: Likely benign for RYR3-related condition. Last evaluated: 2020-02-04. Review status: no assertion criteria provided. Collection method: clinical testing. Allele origin: germline. Not counted in ClinVar's aggregate classification.
Comment: This variant is classified as likely benign based on ACMG/AMP sequence variant interpretation guidelines (Richards et al. 2015 PMID: 25741868, with internal and published modifications).

NM_001036.6(RYR3):c.13584A>G (p.Glu4528=)

Gene: RYR3 (ryanodine receptor 3; plus strand). Cytogenetic location: 15q14.
Variant type: single nucleotide variant.
Coding change: c.13584A>G on transcript NM_001036.6 (MANE Select); coding-DNA position 13584, A replaced by G.
Protein change: p.Glu4528=; no amino-acid change (glutamic acid 4528 retained).
Molecular consequence: synonymous variant.
Genome position (GRCh38, 1-based): chr15:33,848,377, A>G. VCF-style: chr15-33848377-A-G. GRCh37 (hg19) VCF-style: chr15-34140578-A-G.
Other names: c.13584A>G (NM_001036.3, NM_001036.4); c.13569A>G, p.Glu4523= (NM_001243996.4).
Identifiers: ClinVar variation 1122956 (VCV001122956.12), dbSNP rs200841538, ClinGen allele CA7461673.